The following is an entry in ClinVar:

ClinVar aggregate classification (germline): Uncertain significance (1 of 4 stars; one submission).

Submission:

Women's Health and Genetics/Laboratory Corporation of America, LabCorp
Classification: Uncertain significance. Last evaluated: 2025-05-28. Review status: criteria provided, single submitter. Criteria: LabCorp Variant Classification Summary - May 2015. Collection method: clinical testing. Allele origin: germline.
Comment: Variant summary: ABCA4 c.4076T>C (p.Leu1359Pro) results in a non-conservative amino acid change in the encoded protein sequence. Algorithms developed to predict the effect of missense changes on protein structure and function all suggest that this variant is likely to be disruptive. The variant was absent in 250034 control chromosomes. c.4076T>C has been observed in the presumed compound heterozygous state in at least 2 individual(s) affected with Stargardt disease (example, Liu_2021, Tian_2024). These data indicate that the variant may be associated with disease. To our knowledge, no experimental evidence demonstrating an impact on protein function has been reported. The following publications have been ascertained in the context of this evaluation (PMID: 33090715, 37774808, 40225145). No submitters have cited clinical-significance assessments for this variant to ClinVar. Based on the evidence outlined above, the variant was classified as VUS-possibly pathogenic.

Literature cited by the submitters: PubMed 33090715; PubMed 37774808; PubMed 40225145.

NM_000350.3(ABCA4):c.4076T>C (p.Leu1359Pro)

Gene: ABCA4 (ATP binding cassette subfamily A member 4; minus strand). Cytogenetic location: 1p22.1.
Variant type: single nucleotide variant.
Coding change: c.4076T>C on transcript NM_000350.3 (MANE Select); coding-DNA position 4076, T replaced by C.
Protein change: p.Leu1359Pro; replaces leucine 1359 with proline.
Molecular consequence: missense variant.
Genome position (GRCh38, 1-based): chr1:94,031,830, A>G on the plus strand (T>C on the coding strand, the complement: ABCA4 is on the minus strand). VCF-style: chr1-94031830-A-G. GRCh37 (hg19) VCF-style: chr1-94497386-A-G.
Other names: c.3854T>C, p.Leu1285Pro (NM_001425324.1); short protein forms L1285P, L1359P.
Identifiers: ClinVar variation 3902537 (VCV003902537.1).